The following is an entry in ClinVar:

NM_139215.3(TAF15):c.1422_1445del (p.454_461GYGGDRGG[3])

Gene: TAF15 (TATA-box binding protein associated factor 15; plus strand). Cytogenetic location: 17q12.
Variant type: Deletion.
Coding change: c.1422_1445del on transcript NM_139215.3 (MANE Select); coding-DNA positions 1422 to 1445, 24 bases deleted (CCGAGGAGGTGGCTATGGAGGAGA).
Protein change: p.454_461GYGGDRGG[3].
Molecular consequence: inframe deletion.
Genome position (GRCh38, 1-based): chr17:35,844,721-35,844,744, CCGAGGAGGTGGCTATGGAGGAGA deleted; deleting any 24 consecutive bases within chr17:35,844,707-35,844,744 gives the same sequence; the c. name uses the placement nearest the transcript's 3' end. VCF-style (leftmost placement, unchanged base first): chr17-35844706-CGGCTATGGAGGAGACCGAGGAGGT-C. GRCh37 (hg19) VCF-style: chr17-34171710-CGGCTATGGAGGAGACCGAGGAGGT-C.
Other names: p.Gly478_Gly485del; c.1422_1445del24 (NM_139215.2); c.1413_1436del, p.451_458GYGGDRGG[3] (NM_003487.4); c.1422_1445del (NM_139215.2).
Identifiers: ClinVar variation 717960 (VCV000717960.9), dbSNP rs779199064, ClinGen allele CA290041434.

ClinVar aggregate classification (germline): Conflicting classifications of pathogenicity. Review status: criteria provided, conflicting classifications (1 of 4 stars). 5 submissions from 5 submitters: Uncertain significance (1); Benign (3); Likely benign (1). Last evaluated 2026-04-10.

Conditions:
TAF15-related disorder. Also called: TAF15-related condition.
Amyotrophic lateral sclerosis (ALS). Also called: Charcot disease; Lou Gehrig disease. Identifiers: Orphanet 803, MedGen C0002736, MONDO:0004976, HP:0007354.

Submissions (5):

Department of Neurology, Brain Research Institute, Niigata University
Classification: Uncertain significance for Amyotrophic lateral sclerosis. Last evaluated: 2026-04-10. Review status: criteria provided, single submitter. Criteria: ACMG Guidelines, 2015. Collection method: research. Allele origin: unknown. Affected: yes.

Mayo Clinic Laboratories, Mayo Clinic
Classification: Benign. Last evaluated: 2023-11-07. Review status: criteria provided, single submitter. Criteria: ACMG Guidelines, 2015. Collection method: clinical testing. Allele origin: germline. Observed: 7 variant alleles.
Comment: BS1, BS2

GeneDx
Classification: Benign. Last evaluated: 2020-11-06. Review status: criteria provided, single submitter. Criteria: GeneDx Variant Classification Process June 2021. Collection method: clinical testing. Allele origin: germline. Affected: yes.

PreventionGenetics, part of Exact Sciences
Classification: Likely benign for TAF15-related condition. Last evaluated: 2020-04-02. Review status: criteria provided, single submitter. Criteria: ACMG Guidelines, 2015. Collection method: clinical testing. Allele origin: germline.
Comment: This variant is classified as likely benign based on ACMG/AMP sequence variant interpretation guidelines (Richards et al. 2015 PMID: 25741868, with internal and published modifications).

Labcorp Genetics (formerly Invitae), Labcorp
Classification: Benign. Last evaluated: 2019-12-31. Review status: criteria provided, single submitter. Criteria: Invitae Variant Classification Sherloc (09022015). Collection method: clinical testing. Allele origin: germline.